The following is an entry in ClinVar:

ClinVar aggregate classification (germline): Uncertain significance. Review status: criteria provided, multiple submitters, no conflicts (2 of 4 stars). 5 submissions from 5 submitters: Uncertain significance (5). Last evaluated 2025-03-04.

Conditions:
Hereditary breast ovarian cancer syndrome. Also called: Hereditary breast and ovarian cancer syndrome (HBOC); BRCA1- and BRCA2-Associated Hereditary Breast and Ovarian Cancer; Hereditary breast and/or ovarian cancer syndrome; Hereditary breast and ovarian cancer syndrome; Hereditary breast and ovarian cancer; Breast and ovarian cancer. Identifiers: Orphanet 145, MedGen C0677776, MeSH D061325, MONDO:0003582. Disease mechanism: loss of function.
Hereditary cancer-predisposing syndrome. Also called: Neoplastic Syndromes, Hereditary; Hereditary neoplastic syndrome; Tumor predisposition; Hereditary Cancer Syndrome. Identifiers: Orphanet 140162, MedGen C0027672, MeSH D009386, MONDO:0015356.
Breast-ovarian cancer, familial, susceptibility to, 1 (BROVCA1). Also called: BRCA1 Hereditary Breast and Ovarian Cancer; OVARIAN CANCER, SUSCEPTIBILITY TO. Identifiers: Orphanet 145, MedGen C2676676, MONDO:0011450, OMIM 604370. Disease mechanism: loss of function.

Submissions (5):

Center for Genomic Medicine, Rigshospitalet, Copenhagen University Hospital
Classification: Uncertain significance. Last evaluated: 2025-03-04. Review status: criteria provided, single submitter. Criteria: ACMG Guidelines, 2015. Collection method: clinical testing. Allele origin: germline.

Labcorp Genetics (formerly Invitae), Labcorp
Classification: Uncertain significance for Hereditary breast ovarian cancer syndrome. Last evaluated: 2024-09-23. Review status: criteria provided, single submitter. Criteria: Invitae Variant Classification Sherloc (09022015). Collection method: clinical testing. Allele origin: germline.
Comment: This sequence change replaces serine, which is neutral and polar, with leucine, which is neutral and non-polar, at codon 1383 of the BRCA1 protein (p.Ser1383Leu). This variant is not present in population databases (gnomAD no frequency). This variant has not been reported in the literature in individuals affected with BRCA1-related conditions. ClinVar contains an entry for this variant (Variation ID: 418953). Invitae Evidence Modeling of protein sequence and biophysical properties (such as structural, functional, and spatial information, amino acid conservation, physicochemical variation, residue mobility, and thermodynamic stability) indicates that this missense variant is not expected to disrupt BRCA1 protein function with a negative predictive value of 95%. In summary, the available evidence is currently insufficient to determine the role of this variant in disease. Therefore, it has been classified as a Variant of Uncertain Significance.

All of Us Research Program, National Institutes of Health
Classification: Uncertain significance for Breast-ovarian cancer, familial, susceptibility to, 1. Last evaluated: 2023-12-18. Review status: criteria provided, single submitter. Criteria: ACMG Guidelines, 2015. Collection method: clinical testing. Allele origin: germline. Inheritance: Autosomal dominant inheritance. Observed: 1 variant allele, 1 heterozygote.
Comment: This missense variant replaces serine with leucine at codon 1383 of the BRCA1 protein. Computational prediction suggests that this variant may not impact protein structure and function. To our knowledge, functional studies have not been reported for this variant. This variant has not been reported in individuals affected with BRCA1-related disorders in the literature. This variant has not been identified in the general population by the Genome Aggregation Database (gnomAD). The available evidence is insufficient to determine the role of this variant in disease conclusively. Therefore, this variant is classified as a Variant of Uncertain Significance.

This study involves interpretation of variants in research participants for the purpose of population health screening. Participant phenotype was not available at the time of variant classification. Additional details can be found in publication PMID: 35346344, PMCID: PMC8962531

Ambry Genetics
Classification: Uncertain significance for Hereditary cancer-predisposing syndrome. Last evaluated: 2023-08-24. Review status: criteria provided, single submitter. Criteria: Ambry Variant Classification Scheme 2023. Collection method: clinical testing. Allele origin: germline.
Comment: The p.S1383L variant (also known as c.4148C>T), located in coding exon 10 of the BRCA1 gene, results from a C to T substitution at nucleotide position 4148. The serine at codon 1383 is replaced by leucine, an amino acid with dissimilar properties. This amino acid position is well conserved in available vertebrate species. In addition, the in silico prediction for this alteration is inconclusive. Since supporting evidence is limited at this time, the clinical significance of this alteration remains unclear.

GeneDx
Classification: Uncertain significance. Last evaluated: 2015-04-29. Review status: criteria provided, single submitter. Criteria: GeneDx Variant Classification (06012015). Collection method: clinical testing. Allele origin: germline. Affected: yes.
Comment: This variant is denoted BRCA1 c.4148C>T at the cDNA level, p.Ser1383Leu (S1383L) at the protein level, and results in the change of a Serine to a Leucine (TCA>TTA). Using alternate nomenclature, this variant would be defined as BRCA1 4267C>T. This variant has not, to our knowledge, been published in the literature as pathogenic or benign. BRCA1 Ser1383Leu was not observed in approximately 6,500 individuals of European and African American ancestry in the NHLBI Exome Sequencing Project, indicating it is not a common benign variant in these populations. Since Serine and Leucine differ in polarity, charge, size or other properties, this is considered a non-conservative amino acid substitution. BRCA1 Ser1383Leu occurs at a position that is not conserved and is located within the SQ/TQ cluster domain (Narod 2004, Roy 2012). In silico analyses predict that this variant is unlikely to alter protein structure or function. Based on currently available information, it is unclear whether BRCA1 Ser1383Leu is pathogenic or benign. We consider it to be a variant of uncertain significance.

NM_007294.4(BRCA1):c.4148C>T (p.Ser1383Leu)

Gene: BRCA1 (BRCA1 DNA repair associated; minus strand). Cytogenetic location: 17q21.31.
Variant type: single nucleotide variant.
Coding change: c.4148C>T on transcript NM_007294.4 (MANE Select); coding-DNA position 4148, C replaced by T.
Protein change: p.Ser1383Leu; replaces serine 1383 with leucine.
Molecular consequence: missense variant. On other transcripts: non-coding transcript variant (1).
Genome position (GRCh38, 1-based): chr17:43,090,981, G>A on the plus strand (C>T on the coding strand, the complement: BRCA1 is on the minus strand). VCF-style: chr17-43090981-G-A. GRCh37 (hg19) VCF-style: chr17-41242998-G-A.
Other names: c.722C>T, p.Ser241Leu (NM_001408420.1, NM_001408422.1, NM_001408423.1 and 2 more transcripts); c.719C>T, p.Ser240Leu (NM_001408421.1, NM_001408424.1, NM_001408431.1); c.716C>T, p.Ser239Leu (NM_001408425.1, NM_001408426.1, NM_001408427.1 and 12 more transcripts); c.713C>T, p.Ser238Leu (NM_001408432.1, NM_001408433.1, NM_001408434.1 and 6 more transcripts); c.704C>T, p.Ser235Leu (NM_001408451.1); c.698C>T, p.Ser233Leu (NM_001408452.1, NM_001408453.1, NM_001408454.1 and 11 more transcripts); c.695C>T, p.Ser232Leu (NM_001408462.1, NM_001408463.1, NM_001408464.1 and 3 more transcripts); c.839C>T, p.Ser280Leu (NM_001408472.1, NM_007298.4, NM_007299.4 and 18 more transcripts); and 41 more; short protein forms S1383L, S1336L, S280L, S1087L, S112L, S1215L, S1272L, S1294L.
Identifiers: ClinVar variation 418953 (VCV000418953.19), dbSNP rs80357071, ClinGen allele CA10593423.
Genomic context (GRCh38, chr17:43,090,981, plus strand): 5'-GCACACACACACACGCTTTTTACCTGAGTGGTTAAAATGTCACTCTGAGAGGATAGCCCT[G>A]AGCAGTCTTCAGAGACGCTTGTTTCACTCTCACACCCAGATGCTGCTTCACCTTAAATAA-3'
Protein context (NP_009225.1, residues 1373-1393): ESETSVSEDC[Ser1383Leu]GLSSQSDILT